The following is an entry in ClinVar:

ClinVar aggregate classification (germline): Likely benign (1 of 4 stars; one submission).

Allele frequency attached by ClinVar (database versions not stated): ExAC 0.00074; 1000 Genomes Project 0.00220; 1000 Genomes Project 30x 0.00234; TOPMed 0.00271; gnomAD exomes 0.00352 and 0.00400; gnomAD 0.00471 and 0.00488.
gnomAD v4.1: 1,926 of 456,122 alleles (0.42%); highest among the groups gnomAD compares: Non-Finnish European, 0.53%; 8 homozygotes.

Submission:

CeGaT Center for Human Genetics Tuebingen
Classification: Likely benign. Last evaluated: 2026-07-01. Review status: criteria provided, single submitter. Criteria: CeGaT Center For Human Genetics Tuebingen Variant Classification Criteria Version 2. Collection method: clinical testing. Allele origin: germline. Affected: yes. Observed: 19 variant alleles.
Comment: CTBP1: BS2

NM_001012614.2(CTBP1):c.514+1879C>T

Gene: CTBP1 (C-terminal binding protein 1; minus strand). Cytogenetic location: 4p16.3.
Variant type: single nucleotide variant.
Coding change: c.514+1879C>T on transcript NM_001012614.2 (MANE Select); 1879 bases into the intron after coding-DNA position 514, C replaced by T.
Molecular consequence: intron variant.
Genome position (GRCh38, 1-based): chr4:1,223,481, G>A on the plus strand (C>T on the coding strand, the complement: CTBP1 is on the minus strand). VCF-style: chr4-1223481-G-A. GRCh37 (hg19) VCF-style: chr4-1217269-G-A.
Other names: c.514+1879C>T (NM_001377192.1, NM_001377189.1, NM_001377193.1 and 4 more transcripts); c.547+1879C>T (NM_001328.3, NM_001377186.1).
Identifiers: ClinVar variation 1701468 (VCV001701468.31), dbSNP rs374273580, ClinGen allele CA2804402.